The following is an entry in ClinVar:

NM_000138.5(FBN1):c.6038-1G>A

Gene: FBN1 (fibrillin 1; minus strand). Cytogenetic location: 15q21.1.
Variant type: single nucleotide variant.
Coding change: c.6038-1G>A on transcript NM_000138.5 (MANE Select); the canonical splice acceptor site of the intron before coding-DNA position 6038, G replaced by A.
Molecular consequence: splice acceptor variant.
Genome position (GRCh38, 1-based): chr15:48,441,847, C>T on the plus strand (G>A on the coding strand, the complement: FBN1 is on the minus strand). VCF-style: chr15-48441847-C-T. GRCh37 (hg19) VCF-style: chr15-48734044-C-T.
Other names: c.6038-1G>A (NM_001406716.1).
Identifiers: ClinVar variation 457238 (VCV000457238.9), dbSNP rs1555395489, ClinGen allele CA392338728.

ClinVar aggregate classification (germline): Pathogenic (1 of 4 stars; one submission).

Conditions:
Marfan syndrome (MFS). Also called: MARFAN SYNDROME, TYPE I; FBN1-Related Marfan Syndrome; Marfan syndrome type 1; Marfan's syndrome; Marfan syndrome, classic. Identifiers: Orphanet 284963, Orphanet 558, MedGen C0024796, MONDO:0007947, OMIM 154700.
Familial thoracic aortic aneurysm and aortic dissection (TAAD). Also called: Thoracic aortic aneurysms and dissections. Identifiers: Orphanet 91387, MedGen C4707243, MONDO:0019625.

Submission:

Labcorp Genetics (formerly Invitae), Labcorp
Classification: Pathogenic for Marfan syndrome; Familial thoracic aortic aneurysm and aortic dissection. Last evaluated: 2017-02-07. Review status: criteria provided, single submitter. Criteria: Invitae Variant Classification Sherloc (09022015). Collection method: clinical testing. Allele origin: germline.
Comment: For these reasons, this variant has been classified as Pathogenic. Loss-of-function variants in FBN1 are known to be pathogenic. This sequence change affects an acceptor splice site in intron 49 of the FBN1 gene. It is expected to disrupt RNA splicing and likely results in an absent or disrupted protein product.